The following is an entry in ClinVar:

ClinVar aggregate classification (germline): Pathogenic/Likely pathogenic. Review status: criteria provided, multiple submitters, no conflicts (2 of 4 stars). 2 submissions from 2 submitters: Pathogenic (1); Likely pathogenic (1). Last evaluated 2024-05-04.

Conditions:
Osteogenesis imperfecta type 8 (OI8). Identifiers: MedGen C1970458, MONDO:0012581, OMIM 610915.

Submissions (2):

Fulgent Genetics
Classification: Likely pathogenic for Osteogenesis imperfecta type 8. Last evaluated: 2024-05-04. Review status: criteria provided, single submitter. Criteria: ACMG Guidelines, 2015. Collection method: clinical testing. Allele origin: germline.

Labcorp Genetics (formerly Invitae), Labcorp
Classification: Pathogenic for Osteogenesis imperfecta type 8. Last evaluated: 2023-11-17. Review status: criteria provided, single submitter. Criteria: Invitae Variant Classification Sherloc (09022015). Collection method: clinical testing. Allele origin: germline.
Comment: This sequence change creates a premature translational stop signal (p.Asn619Metfs*19) in the P3H1 gene. It is expected to result in an absent or disrupted protein product. Loss-of-function variants in P3H1 are known to be pathogenic (PMID: 17277775, 18566967, 19088120, 22281939). This variant is not present in population databases (gnomAD no frequency). This variant has not been reported in the literature in individuals affected with P3H1-related conditions. ClinVar contains an entry for this variant (Variation ID: 653499). For these reasons, this variant has been classified as Pathogenic.

Literature cited by the submitters: PubMed 17277775 (cited by Labcorp Genetics (formerly Invitae), Labcorp); PubMed 18566967 (cited by Labcorp Genetics (formerly Invitae), Labcorp); PubMed 19088120 (cited by Labcorp Genetics (formerly Invitae), Labcorp); PubMed 22281939 (cited by Labcorp Genetics (formerly Invitae), Labcorp).

NM_022356.4(P3H1):c.1856del (p.Asn619fs)

Gene: P3H1 (prolyl 3-hydroxylase 1; minus strand). Cytogenetic location: 1p34.2.
Variant type: Deletion.
Coding change: c.1856del on transcript NM_022356.4 (MANE Select); coding-DNA position 1856, one base deleted (A; older notation c.1856delA).
Protein change: p.Asn619fs; shifts the reading frame from asparagine 619.
Molecular consequence: frameshift variant.
Genome position (GRCh38, 1-based): chr1:42,747,781, T deleted on the plus strand (A on the coding strand, the reverse complement: P3H1 is on the minus strand); the first of 3 consecutive T bases (chr1:42,747,781-42,747,783); deleting any one gives the same sequence. VCF-style (leftmost placement, unchanged base first): chr1-42747780-AT-A. GRCh37 (hg19) VCF-style: chr1-43213451-AT-A.
Other names: c.1856delA (NM_022356.3); c.1856del, p.Asn619fs (NM_001146289.2, NM_001243246.2); short protein forms N619fs.
Identifiers: ClinVar variation 653499 (VCV000653499.7), dbSNP rs1570454914, ClinGen allele CA915941221.